The following is an entry in ClinVar:

NM_000400.4(ERCC2):c.865G>A (p.Val289Met)

Gene: ERCC2 (ERCC excision repair 2, TFIIH core complex helicase subunit; minus strand). Cytogenetic location: 19q13.32.
Variant type: single nucleotide variant.
Coding change: c.865G>A on transcript NM_000400.4 (MANE Select); coding-DNA position 865, G replaced by A.
Protein change: p.Val289Met; replaces valine 289 with methionine.
Molecular consequence: missense variant.
Genome position (GRCh38, 1-based): chr19:45,364,070, C>T on the plus strand (G>A on the coding strand, the complement: ERCC2 is on the minus strand). VCF-style: chr19-45364070-C-T. GRCh37 (hg19) VCF-style: chr19-45867328-C-T.
Other names: c.793G>A, p.Val265Met (NM_001130867.2); short protein forms V289M, V265M.
Identifiers: ClinVar variation 1764217 (VCV001764217.4), dbSNP rs1228731328, ClinGen allele CA406373648.

ClinVar aggregate classification (germline): Uncertain significance. Review status: criteria provided, multiple submitters, no conflicts (2 of 4 stars). 2 submissions from 2 submitters: Uncertain significance (2). Last evaluated 2024-06-22.

Conditions:
Inborn genetic diseases. Identifiers: MedGen C0950123, MeSH D030342.

Allele frequency attached by ClinVar (database versions not stated): TOPMed below 0.00001.
gnomAD v4.1: 1 of 1,588,550 alleles (0.000063%); highest among the groups gnomAD compares: Non-Finnish European, 0.000086%; no homozygotes.

Submissions (2):

Ambry Genetics
Classification: Uncertain significance for Inborn genetic diseases. Last evaluated: 2024-06-22. Review status: criteria provided, single submitter. Criteria: Ambry Variant Classification Scheme 2023. Collection method: clinical testing. Allele origin: germline.
Comment: The p.V289M variant (also known as c.865G>A), located in coding exon 10 of the ERCC2 gene, results from a G to A substitution at nucleotide position 865. The valine at codon 289 is replaced by methionine, an amino acid with highly similar properties. This amino acid position is conserved. In addition, the in silico prediction for this alteration is inconclusive. Since supporting evidence is limited at this time, the clinical significance of this alteration remains unclear.

Blueprint Genetics
Classification: Uncertain significance. Last evaluated: 2024-06-18. Review status: criteria provided, single submitter. Criteria: ACMG Guidelines, 2015. Collection method: clinical testing. Allele origin: germline.